The following is an entry in ClinVar:

ClinVar aggregate classification (germline): Benign. Review status: criteria provided, multiple submitters, no conflicts (2 of 4 stars). 2 submissions from 2 submitters: Benign (2). Last evaluated 2018-01-12.

Conditions:
Growth delay due to insulin-like growth factor I resistance. Also called: Somatomedin end-organ insensitivity to; Somatomedin-c resistance to; IGF-1 resistance; IGF-I RESISTANCE; Insulin-Like Growth Factor I Resistance. Identifiers: Orphanet 73273, MedGen C1849157, MONDO:0010038, OMIM 270450.

Allele frequency attached by ClinVar (database versions not stated): 1000 Genomes Project 0.09724; 1000 Genomes Project 30x 0.09900; TOPMed 0.17429; gnomAD 0.17965 and 0.18515.
gnomAD v4.1: 42,586 of 233,166 alleles (18%); highest among the groups gnomAD compares: Non-Finnish European, 24%; 4,481 homozygotes.

Submissions (2):

Illumina Laboratory Services, Illumina
Classification: Benign for Growth delay due to insulin-like growth factor I resistance. Last evaluated: 2018-01-12. Review status: criteria provided, single submitter. Criteria: ICSL Variant Classification Criteria 13 December 2019. Collection method: clinical testing. Allele origin: germline.
Comment: This variant was observed in the ICSL laboratory as part of a predisposition screen in an ostensibly healthy population. It had not been previously curated by ICSL or reported in the Human Gene Mutation Database (HGMD: prior to June 1st, 2018), and was therefore a candidate for classification through an automated scoring system. Utilizing variant allele frequency, disease prevalence and penetrance estimates, and inheritance mode, an automated score was calculated to assess if this variant is too frequent to cause the disease. Based on the score and internal cut-off values, a variant classified as benign is not then subjected to further curation. The score for this variant resulted in a classification of benign for this disease.

Breakthrough Genomics
Classification: Benign. Review status: criteria provided, single submitter. Criteria: ACMG Guidelines, 2015. Collection method: not provided. Allele origin: germline. Inheritance: Autosomal dominant inheritance. Affected: yes.

NM_000875.5(IGF1R):c.*4391C>T

Gene: IGF1R (insulin like growth factor 1 receptor; plus strand). Cytogenetic location: 15q26.3.
Variant type: single nucleotide variant.
Coding change: c.*4391C>T on transcript NM_000875.5 (MANE Select); 4391 bases downstream of the stop codon, C replaced by T.
Molecular consequence: 3 prime UTR variant.
Genome position (GRCh38, 1-based): chr15:98,961,833, C>T. VCF-style: chr15-98961833-C-T. GRCh37 (hg19) VCF-style: chr15-99505062-C-T.
Other names: c.*4391C>T (NM_001291858.2).
Identifiers: ClinVar variation 317576 (VCV000317576.6), dbSNP rs2684787, ClinGen allele CA10642762.
Genomic context (GRCh38, chr15:98,961,833, plus strand): 5'-GGGATGTCATGACGTTTGACATACCTTTGGAACGAGCCTCCTCCTTGGAAGATGGAAGAC[C>T]GTGTTCGTGGCCGACCTGGCCTCTCCTGGCCTGTTTCTTAAGATGCGGAGTCACATTTCA-3'